The following is an entry in ClinVar:

ClinVar aggregate classification (germline): Conflicting classifications of pathogenicity. Review status: criteria provided, conflicting classifications (1 of 4 stars). 2 submissions from 2 submitters: Uncertain significance (1); Likely benign (1). Last evaluated 2025-11-20.

Conditions:
Hereditary cancer-predisposing syndrome. Also called: Neoplastic Syndromes, Hereditary; Tumor predisposition; Hereditary Cancer Syndrome; Hereditary neoplastic syndrome. Identifiers: Orphanet 140162, MedGen C0027672, MeSH D009386, MONDO:0015356.
Oligodontia-cancer predisposition syndrome. Also called: TOOTH AGENESIS-COLORECTAL CANCER SYNDROME. Identifiers: Orphanet 300576, MedGen C1837750, MONDO:0012075, OMIM 608615. Disease mechanism: loss of function.

Allele frequency attached by ClinVar (database versions not stated): gnomAD exomes 0.00001; TOPMed 0.00002; ESP Exome Variant Server 0.00008.
gnomAD v4.1: 9 of 1,613,536 alleles (0.00056%); highest among the groups gnomAD compares: Non-Finnish European, 0.00076%; no homozygotes.

Submissions (2):

Ambry Genetics
Classification: Likely benign for Hereditary cancer-predisposing syndrome. Last evaluated: 2025-11-20. Review status: criteria provided, single submitter. Criteria: Ambry Variant Classification Scheme 2023. Collection method: clinical testing. Allele origin: germline.

Labcorp Genetics (formerly Invitae), Labcorp
Classification: Uncertain significance for Oligodontia-cancer predisposition syndrome. Last evaluated: 2025-07-02. Review status: criteria provided, single submitter. Criteria: Invitae Variant Classification Sherloc (09022015). Collection method: clinical testing. Allele origin: germline.
Comment: This sequence change replaces aspartic acid, which is acidic and polar, with glutamic acid, which is acidic and polar, at codon 614 of the AXIN2 protein (p.Asp614Glu). This variant is present in population databases (rs373339394, gnomAD 0.003%). This variant has not been reported in the literature in individuals affected with AXIN2-related conditions. ClinVar contains an entry for this variant (Variation ID: 820173). Invitae Evidence Modeling of protein sequence and biophysical properties (such as structural, functional, and spatial information, amino acid conservation, physicochemical variation, residue mobility, and thermodynamic stability) indicates that this missense variant is not expected to disrupt AXIN2 protein function with a negative predictive value of 80%. In summary, the available evidence is currently insufficient to determine the role of this variant in disease. Therefore, it has been classified as a Variant of Uncertain Significance.

NM_004655.4(AXIN2):c.1842C>G (p.Asp614Glu)

Gene: AXIN2 (axin 2; minus strand). Cytogenetic location: 17q24.1.
Variant type: single nucleotide variant.
Coding change: c.1842C>G on transcript NM_004655.4 (MANE Select); coding-DNA position 1842, C replaced by G.
Protein change: p.Asp614Glu; replaces aspartic acid 614 with glutamic acid.
Molecular consequence: missense variant. On other transcripts: intron variant (1).
Genome position (GRCh38, 1-based): chr17:65,536,934, G>C on the plus strand (C>G on the coding strand, the complement: AXIN2 is on the minus strand). VCF-style: chr17-65536934-G-C. GRCh37 (hg19) VCF-style: chr17-63533052-G-C.
Other names: c.1713-381C>G (NM_001363813.1); short protein forms D614E.
Identifiers: ClinVar variation 820173 (VCV000820173.14), dbSNP rs373339394, ClinGen allele CA8718514.